The following is an entry in ClinVar:

NM_000810.4(GABRA5):c.209-7C>G

Genes: GABRA5 (gamma-aminobutyric acid type A receptor subunit alpha5; plus strand), GABRB3 (gamma-aminobutyric acid type A receptor subunit beta3; minus strand). Cytogenetic location: 15q12.
Variant type: single nucleotide variant.
Coding change: c.209-7C>G on transcript NM_000810.4 (MANE Select); 7 bases into the intron before coding-DNA position 209, C replaced by G.
Molecular consequence: intron variant.
Genome position (GRCh38, 1-based): chr15:26,883,159, C>G. VCF-style: chr15-26883159-C-G. GRCh37 (hg19) VCF-style: chr15-27128306-C-G.
Other names: c.209-7C>G (NM_001165037.2).
Identifiers: ClinVar variation 2645023 (VCV002645023.24), dbSNP rs187470468, ClinGen allele CA7437736.

ClinVar aggregate classification (germline): Likely benign (1 of 4 stars; one submission).

Allele frequency attached by ClinVar (database versions not stated): ExAC 0.00022; 1000 Genomes Project 0.00040; 1000 Genomes Project 30x 0.00047; ESP Exome Variant Server 0.00071; TOPMed 0.00102.
gnomAD v4.1: 263 of 1,613,408 alleles (0.016%); highest among the groups gnomAD compares: African/African-American, 0.3%; 1 homozygote.

Submission:

CeGaT Center for Human Genetics Tuebingen
Classification: Likely benign. Last evaluated: 2026-04-01. Review status: criteria provided, single submitter. Criteria: CeGaT Center For Human Genetics Tuebingen Variant Classification Criteria Version 2. Collection method: clinical testing. Allele origin: germline. Affected: yes. Observed: 3 variant alleles.
Comment: GABRB3: BS1; GABRA5: BP4, BS1